The following is an entry in ClinVar:

ClinVar aggregate classification (germline): Benign/Likely benign. Review status: criteria provided, multiple submitters, no conflicts (2 of 4 stars). 6 submissions from 6 submitters: Benign (1); Likely benign (5). Last evaluated 2026-04-01.

Conditions:
Spermatogenic failure 18. Identifiers: MedGen C4539783, MONDO:0054615, OMIM 617576.
Ciliary dyskinesia, primary, 37 (CILD37). Also called: CILIARY DYSKINESIA, PRIMARY, 37, WITH OR WITHOUT SITUS INVERSUS. Identifiers: MedGen C4539798, MONDO:0033204, OMIM 617577.

Allele frequency attached by ClinVar (database versions not stated): ESP Exome Variant Server 0.00048; gnomAD 0.00058; 1000 Genomes Project 0.00060; 1000 Genomes Project 30x 0.00062; gnomAD exomes 0.00062 and 0.00090; TOPMed 0.00070; ExAC 0.00086.
gnomAD v4.1: 1,009 of 1,610,036 alleles (0.063%); highest among the groups gnomAD compares: Middle Eastern, 0.31%; no homozygotes.

Submissions (6):

CeGaT Center for Human Genetics Tuebingen
Classification: Likely benign. Last evaluated: 2026-04-01. Review status: criteria provided, single submitter. Criteria: CeGaT Center For Human Genetics Tuebingen Variant Classification Criteria Version 2. Collection method: clinical testing. Allele origin: germline. Affected: yes. Observed: 6 variant alleles.
Comment: DNAH1: BP4, BP7

Labcorp Genetics (formerly Invitae), Labcorp
Classification: Likely benign for Ciliary dyskinesia, primary, 37; Spermatogenic failure 18. Last evaluated: 2026-01-12. Review status: criteria provided, single submitter. Criteria: Invitae Variant Classification Sherloc (09022015). Collection method: clinical testing. Allele origin: germline.

Mayo Clinic Laboratories, Mayo Clinic
Classification: Likely benign. Last evaluated: 2025-03-26. Review status: criteria provided, single submitter. Criteria: ACMG Guidelines, 2015. Collection method: clinical testing. Allele origin: germline. Observed: 1 variant allele.
Comment: BS1, BP4, BP7

Laboratory of Genetics, Children's Clinical University Hospital Latvia
Classification: Benign. Last evaluated: 2025-02-16. Review status: criteria provided, single submitter. Criteria: ACMG Guidelines, 2015. Collection method: clinical testing. Allele origin: germline. Affected: yes.

Blueprint Genetics
Classification: Likely benign. Last evaluated: 2024-11-20. Review status: criteria provided, single submitter. Criteria: ACMG Guidelines, 2015. Collection method: clinical testing. Allele origin: germline.

Breakthrough Genomics
Classification: Likely benign. Review status: criteria provided, single submitter. Criteria: ACMG Guidelines, 2015. Collection method: not provided. Allele origin: germline. Inheritance: Autosomal recessive inheritance. Affected: yes.

NM_015512.5(DNAH1):c.5964G>A (p.Glu1988=)

Gene: DNAH1 (dynein axonemal heavy chain 1; plus strand). Cytogenetic location: 3p21.1.
Variant type: single nucleotide variant.
Coding change: c.5964G>A on transcript NM_015512.5 (MANE Select); coding-DNA position 5964, G replaced by A.
Protein change: p.Glu1988=; no amino-acid change (glutamic acid 1988 retained).
Molecular consequence: synonymous variant.
Genome position (GRCh38, 1-based): chr3:52,369,845, G>A. VCF-style: chr3-52369845-G-A. GRCh37 (hg19) VCF-style: chr3-52403861-G-A.
Other names: p.Glu1988=.
Identifiers: ClinVar variation 478470 (VCV000478470.37), dbSNP rs201198770, ClinGen allele CA2434384.